The following is an entry in ClinVar:

ClinVar aggregate classification (germline): Conflicting classifications of pathogenicity. Review status: criteria provided, conflicting classifications (1 of 4 stars). 6 submissions from 6 submitters: Uncertain significance (1); Benign (2); Likely benign (2). 1 of the submissions does not count toward it. Last evaluated 2026-01-28.

Conditions:
BBS2-related disorder. Also called: BBS2-related disorders; BBS2-related condition. Identifiers: MedGen CN239228.
Bardet-Biedl syndrome 2 (BBS2). Identifiers: Orphanet 110, MedGen C2936863, MONDO:0014432, OMIM 615981.
Retinal dystrophy. Also called: Inherited retinal dystrophy. Identifiers: HP:0000556, Orphanet 71862, MedGen C0854723, MeSH D058499, MONDO:0019118.
Bardet-Biedl syndrome (BBS). Identifiers: Orphanet 110, MedGen C0752166, MONDO:0015229.

Allele frequency attached by ClinVar (database versions not stated): gnomAD 0.00004 and 0.00009; TOPMed 0.00006; gnomAD exomes 0.00014 and 0.00018; 1000 Genomes Project 30x 0.00016; ExAC 0.00018; 1000 Genomes Project 0.00020.
gnomAD v4.1: 263 of 1,614,090 alleles (0.016%); highest among the groups gnomAD compares: East Asian, 0.58%; 2 homozygotes.

Submissions (6):

Labcorp Genetics (formerly Invitae), Labcorp
Classification: Benign for Bardet-Biedl syndrome. Last evaluated: 2026-01-28. Review status: criteria provided, single submitter. Criteria: Invitae Variant Classification Sherloc (09022015). Collection method: clinical testing. Allele origin: germline.

PreventionGenetics, part of Exact Sciences
Classification: Likely benign for BBS2-related condition. Last evaluated: 2025-01-28. Review status: criteria provided, single submitter. Criteria: ACMG Guidelines, 2015. Collection method: clinical testing. Allele origin: germline.
Comment: This variant is classified as likely benign based on ACMG/AMP sequence variant interpretation guidelines (Richards et al. 2015 PMID: 25741868, with internal and published modifications).

Blueprint Genetics
Classification: Likely benign. Last evaluated: 2023-10-30. Review status: criteria provided, single submitter. Criteria: ACMG Guidelines, 2015. Collection method: clinical testing. Allele origin: germline.

Dept Of Ophthalmology, Nagoya University
Classification: Benign for Retinal dystrophy. Last evaluated: 2023-10-01. Review status: criteria provided, single submitter. Criteria: Submitter's publication. Collection method: research. Allele origin: germline. Affected: yes.

Illumina Laboratory Services, Illumina
Classification: Uncertain significance for Bardet-Biedl syndrome 2. Last evaluated: 2018-01-13. Review status: criteria provided, single submitter. Criteria: ICSL Variant Classification Criteria 13 December 2019. Collection method: clinical testing. Allele origin: germline.

Natera, Inc.
Classification: Likely benign for Bardet-Biedl syndrome type 2. Last evaluated: 2019-10-28. Review status: no assertion criteria provided. Collection method: clinical testing. Allele origin: germline. Not counted in ClinVar's aggregate classification.

NM_031885.5(BBS2):c.744T>C (p.His248=)

Gene: BBS2 (Bardet-Biedl syndrome 2; minus strand). Cytogenetic location: 16q13.
Variant type: single nucleotide variant.
Coding change: c.744T>C on transcript NM_031885.5 (MANE Select); coding-DNA position 744, T replaced by C.
Protein change: p.His248=; no amino-acid change (histidine 248 retained).
Molecular consequence: synonymous variant. On other transcripts: non-coding transcript variant (5).
Genome position (GRCh38, 1-based): chr16:56,506,010, A>G on the plus strand (T>C on the coding strand, the complement: BBS2 is on the minus strand). VCF-style: chr16-56506010-A-G. GRCh37 (hg19) VCF-style: chr16-56539922-A-G.
Other names: c.744T>C, p.His248= (NM_001377456.1).
Identifiers: ClinVar variation 319864 (VCV000319864.20), dbSNP rs186893286, ClinGen allele CA8065934.